The following is an entry in ClinVar:

ClinVar aggregate classification (germline): Uncertain significance (1 of 4 stars; one submission).

Conditions:
Inborn genetic diseases. Identifiers: MedGen C0950123, MeSH D030342.

Submission:

Ambry Genetics
Classification: Uncertain significance for Inborn genetic diseases. Last evaluated: 2025-09-22. Review status: criteria provided, single submitter. Criteria: Ambry Variant Classification Scheme 2023. Collection method: clinical testing. Allele origin: germline.
Comment: The c.2549A>G (p.Q850R) alteration is located in exon 17 (coding exon 17) of the SZT2 gene. This alteration results from a A to G substitution at nucleotide position 2549, causing the glutamine (Q) at amino acid position 850 to be replaced by an arginine (R). Based on data from gnomAD, the G allele has an overall frequency of 0.003% (8/251370) total alleles studied. The highest observed frequency was 0.026% (8/30616) of South Asian alleles. Based on insufficient or conflicting evidence, the clinical significance of this alteration remains unclear.

NM_001365999.1(SZT2):c.2549A>G (p.Gln850Arg)

Gene: SZT2 (SZT2 subunit of KICSTOR complex; plus strand). Cytogenetic location: 1p34.2.
Variant type: single nucleotide variant.
Coding change: c.2549A>G on transcript NM_001365999.1 (MANE Select); coding-DNA position 2549, A replaced by G.
Protein change: p.Gln850Arg; replaces glutamine 850 with arginine.
Molecular consequence: missense variant.
Genome position (GRCh38, 1-based): chr1:43,424,861, A>G. VCF-style: chr1-43424861-A-G. GRCh37 (hg19) VCF-style: chr1-43890532-A-G.
Other names: c.2549A>G, p.Gln850Arg (NM_015284.4); short protein forms Q850R.
Identifiers: ClinVar variation 4632528 (VCV004632528.1).